The following is an entry in ClinVar:

NM_001110556.2(FLNA):c.1091A>G (p.His364Arg)

Gene: FLNA (filamin A; minus strand). Cytogenetic location: Xq28.
Variant type: single nucleotide variant.
Coding change: c.1091A>G on transcript NM_001110556.2 (MANE Select); coding-DNA position 1091, A replaced by G.
Protein change: p.His364Arg; replaces histidine 364 with arginine.
Molecular consequence: missense variant.
Genome position (GRCh38, 1-based): chrX:154,366,445, T>C on the plus strand (A>G on the coding strand, the complement: FLNA is on the minus strand). VCF-style: chrX-154366445-T-C. GRCh37 (hg19) VCF-style: chrX-153594813-T-C.
Other names: c.1091A>G, p.His364Arg (NM_001456.4); short protein forms H364R.
Identifiers: ClinVar variation 2077128 (VCV002077128.4), dbSNP rs782626375, ClinGen allele CA10561264.
Genomic context (GRCh38, chrX:154,366,445, plus strand): 5'-ACTTTGCTGGCGTCACCCTGTGACTTATCCACGTACACCTCGAAGGGGCTCTTGGCGATG[T>C]GCTGGCCAGCAAAGAGCACAGTAACCTGTCCCCAGAAGGGTGGGCCGTGAGGGTAGGGCT-3'
Protein context (NP_001104026.1, residues 354-374): HKVTVLFAGQ[His364Arg]IAKSPFEVYV

ClinVar aggregate classification (germline): Uncertain significance (1 of 4 stars; one submission).

Conditions:
Oto-palato-digital syndrome, type II (OPD2). Also called: FACIOPALATOOSSEOUS SYNDROME; OPD II SYNDROME; Otopalatodigital Syndrome, Type II; Otopalatodigital Syndrome Type 2 (FLNA-OPD2). Identifiers: Orphanet 669, Orphanet 90652, MedGen C1844696, MONDO:0010571, OMIM 304120.
Frontometaphyseal dysplasia (FMD1). Identifiers: Orphanet 1826, MedGen C0265293, MONDO:0015942.
Melnick-Needles syndrome (MNS). Also called: MELNICK-NEEDLES OSTEODYSPLASTY; OSTEODYSPLASTY OF MELNICK AND NEEDLES; Melnick-Needles Syndrome (FLNA-MNS). Identifiers: Orphanet 2484, MedGen C0025237, MONDO:0010650, OMIM 309350.
Heterotopia, periventricular, X-linked dominant (PVNH1). Also called: PERIVENTRICULAR NODULAR HETEROTOPIA 1; PERIVENTRICULAR NODULAR HETEROTOPIA 4; HETEROTOPIA, PERIVENTRICULAR, 1; X-linked periventricular heterotopia. Identifiers: Orphanet 2149, Orphanet 82004, MedGen C1848213, MONDO:0010233, OMIM 300049.

Allele frequency attached by ClinVar (database versions not stated): gnomAD exomes below 0.00001; ExAC 0.00001.
gnomAD v4.1: 1 of 1,211,581 alleles (0.000083%); highest among the groups gnomAD compares: African/African-American, 0.0017%; no homozygotes.

Submission:

Labcorp Genetics (formerly Invitae), Labcorp
Classification: Uncertain significance for Oto-palato-digital syndrome, type II; Heterotopia, periventricular, X-linked dominant; Frontometaphyseal dysplasia; Melnick-Needles syndrome. Last evaluated: 2024-02-24. Review status: criteria provided, single submitter. Criteria: Invitae Variant Classification Sherloc (09022015). Collection method: clinical testing. Allele origin: germline.
Comment: This sequence change replaces histidine, which is basic and polar, with arginine, which is basic and polar, at codon 364 of the FLNA protein (p.His364Arg). This variant is not present in population databases (gnomAD no frequency). This variant has not been reported in the literature in individuals affected with FLNA-related conditions. ClinVar contains an entry for this variant (Variation ID: 2077128). Advanced modeling of protein sequence and biophysical properties (such as structural, functional, and spatial information, amino acid conservation, physicochemical variation, residue mobility, and thermodynamic stability) performed at Invitae indicates that this missense variant is not expected to disrupt FLNA protein function with a negative predictive value of 95%. In summary, the available evidence is currently insufficient to determine the role of this variant in disease. Therefore, it has been classified as a Variant of Uncertain Significance.